The following is an entry in ClinVar:

ClinVar aggregate classification (germline): Benign. Review status: reviewed by expert panel (3 of 4 stars). 11 submissions from 11 submitters: Benign (1). 10 of the submissions do not count toward it. Last evaluated 2023-08-10.

Conditions:
CDH1-related diffuse gastric and lobular breast cancer syndrome. Also called: CDH1-related diffuse gastric and lobular breast cancer. Identifiers: MedGen CN311521, MONDO:0100488.
CDH1-related disorder. Also called: CDH1-related condition.
Hereditary cancer-predisposing syndrome. Also called: Tumor predisposition; Neoplastic Syndromes, Hereditary; Hereditary neoplastic syndrome; Hereditary Cancer Syndrome. Identifiers: Orphanet 140162, MedGen C0027672, MeSH D009386, MONDO:0015356.
Hereditary diffuse gastric adenocarcinoma (HDGC). Also called: DIFFUSE GASTRIC AND LOBULAR BREAST CANCER SYNDROME. Identifiers: Orphanet 26106, MedGen C1708349, MONDO:0007648, OMIM 137215.

Allele frequency attached by ClinVar (database versions not stated): gnomAD 0.00002; gnomAD exomes 0.00002; ESP Exome Variant Server 0.00008.
gnomAD v4.1: 23 of 1,613,610 alleles (0.0014%); highest among the groups gnomAD compares: Admixed American, 0.005%; no homozygotes.

Submissions (11):

Clingen Gastric Cancer Variant Curation Expert Panel
Classification: Benign for CDH1-related diffuse gastric and lobular breast cancer syndrome. Last evaluated: 2023-08-10. Review status: reviewed by expert panel. Criteria: ClinGen CDH1 ACMG Specifications V3.1. Collection method: curation. Allele origin: germline. Inheritance: Autosomal dominant inheritance.
Comment: The c.2399G>A (p.Arg800His) variant has an allele frequency of 0.00003 (0.003%, 1/30,614 alleles) in the South Asian gnomAD subpopulation. The variant has been seen in >10 individuals without DCG, SRC tumors, or LBC and whose families do not suggest HDGC (BS2; PMID: 26072394, SCV000186429.5, SCV000210876.13, SCV000254822.4). The variant has been identified in the homozygous state in an individual without personal and family history of DGC, LBC, or SRC tumors (BP2_Strong; SCV000186429.5). In summary, this variant meets criteria to be classified as benign based on the ACMG/AMP criteria applied as specified by the CDH1 Variant Curation Expert Panel (Variant Interpretation Guidelines Version 3.1): BS2, BP2_Strong.

PreventionGenetics, part of Exact Sciences
Classification: Likely benign for CDH1-related condition. Last evaluated: 2026-07-08. Review status: criteria provided, single submitter. Criteria: ACMG Guidelines, 2015. Collection method: clinical testing. Allele origin: germline. Not counted in ClinVar's aggregate classification.
Comment: This variant is classified as likely benign based on ACMG/AMP sequence variant interpretation guidelines (Richards et al. 2015 PMID: 25741868, with internal and published modifications).

Labcorp Genetics (formerly Invitae), Labcorp
Classification: Likely benign for Hereditary diffuse gastric adenocarcinoma. Last evaluated: 2025-12-15. Review status: criteria provided, single submitter. Criteria: Invitae Variant Classification Sherloc (09022015). Collection method: clinical testing. Allele origin: germline. Not counted in ClinVar's aggregate classification.

Color Diagnostics, LLC DBA Color Health
Classification: Likely benign for Hereditary cancer-predisposing syndrome. Last evaluated: 2025-11-25. Review status: criteria provided, single submitter. Criteria: ACMG Guidelines, 2015. Collection method: clinical testing. Allele origin: germline. Not counted in ClinVar's aggregate classification.

Myriad Genetics, Inc.
Classification: Uncertain significance for Hereditary diffuse gastric adenocarcinoma. Last evaluated: 2023-03-06. Review status: criteria provided, single submitter. Criteria: Myriad Autosomal Dominant, Autosomal Recessive and X-Linked Classification Criteria (2023). Collection method: clinical testing. Allele origin: unknown. Not counted in ClinVar's aggregate classification.
Comment: This variant is classified as a variant of uncertain significance as there is insufficient evidence to determine its impact on protein function and/or cancer risk.

European Reference Network on Genetic Tumour Risk Syndromes (ERN-GENTURIS), i3s - Instituto de Investigação e Inovação em Saúde, University of Porto
Classification: Benign for Hereditary diffuse gastric adenocarcinoma. Last evaluated: 2022-08-01. Review status: criteria provided, single submitter. Criteria: Lee et al. (Hum Mutat. 2018). Collection method: clinical testing. Allele origin: germline. Inheritance: Autosomal dominant inheritance. Affected: no. Study: ERN GENTURIS. Not counted in ClinVar's aggregate classification.
Comment: BS2; BP2_Strong (PMID: 30311375)

Sema4
Classification: Likely benign for Hereditary cancer-predisposing syndrome. Last evaluated: 2021-04-15. Review status: criteria provided, single submitter. Criteria: Sema4 Curation Guidelines. Collection method: curation. Allele origin: germline. Not counted in ClinVar's aggregate classification.

Ambry Genetics
Classification: Likely benign for Hereditary cancer-predisposing syndrome. Last evaluated: 2021-02-02. Review status: criteria provided, single submitter. Criteria: Ambry Variant Classification Scheme 2023. Collection method: clinical testing. Allele origin: germline. Not counted in ClinVar's aggregate classification.

Department of Pathology and Laboratory Medicine, Sinai Health System
Classification: Uncertain significance for CDH1-related diffuse gastric and lobular breast cancer syndrome. Last evaluated: 2020-10-30. Review status: criteria provided, single submitter. Criteria: ACMG Guidelines, 2015. Collection method: clinical testing. Allele origin: germline. Affected: yes. Not counted in ClinVar's aggregate classification.

GeneDx
Classification: Uncertain significance. Last evaluated: 2017-02-23. Review status: criteria provided, single submitter. Criteria: GeneDx Variant Classification (06012015). Collection method: clinical testing. Allele origin: germline. Affected: yes. Not counted in ClinVar's aggregate classification.
Comment: This variant is denoted CDH1 c.2399G>A at the cDNA level, p.Arg800His (R800H) at the protein level, and results in the change of an Arginine to a Histidine (CGC>CAC). This variant has been observed in at least one individual with gastric cancer (van der Post 2015). CDH1 Arg800His was not observed at a significant allele frequency in the NHLBI Exome Sequencing Project. Since Arginine and Histidine share similar properties, this is considered a conservative amino acid substitution. CDH1 Arg800His occurs at a position that is conserved across species and is located in the cytoplasmic domain (Brooks-Wilson 2004, Figueiredo 2013). In silico analyses predict that this variant is probably damaging to protein structure and function. Based on currently available information, it is unclear whether CDH1 Arg800His is pathogenic or benign. We consider it to be a variant of uncertain significance.

Counsyl
Classification: Uncertain significance for Hereditary diffuse gastric adenocarcinoma. Last evaluated: 2018-01-04. Review status: no assertion criteria provided. Collection method: clinical testing. Allele origin: unknown. Not counted in ClinVar's aggregate classification.

Literature cited by the submitters: PubMed 36436516 (cited by European Reference Network on Genetic Tumour Risk Syndromes (ERN-GENTURIS), i3s - Instituto de Investigação e Inovação em Saúde, University of Porto); PubMed 26072394 (cited by Department of Pathology and Laboratory Medicine, Sinai Health System and Counsyl); PubMed 28873162 (cited by Department of Pathology and Laboratory Medicine, Sinai Health System and Counsyl).

NM_004360.5(CDH1):c.2399G>A (p.Arg800His)

Gene: CDH1 (cadherin 1; plus strand). Cytogenetic location: 16q22.1.
Variant type: single nucleotide variant.
Coding change: c.2399G>A on transcript NM_004360.5 (MANE Select); coding-DNA position 2399, G replaced by A.
Protein change: p.Arg800His; replaces arginine 800 with histidine.
Molecular consequence: missense variant.
Genome position (GRCh38, 1-based): chr16:68,829,757, G>A. VCF-style: chr16-68829757-G-A. GRCh37 (hg19) VCF-style: chr16-68863660-G-A.
Other names: p.R800H:CGC>CAC; c.2399G>A (LRG_301t1); c.2216G>A, p.Arg739His (NM_001317184.2); c.851G>A, p.Arg284His (NM_001317185.2); c.434G>A, p.Arg145His (NM_001317186.2); short protein forms R800H, R284H, R739H, R145H.
Identifiers: ClinVar variation 142363 (VCV000142363.31), dbSNP rs370345996, ClinGen allele CA294379.